The following is an entry in ClinVar:

ClinVar aggregate classification (germline): Uncertain significance (1 of 4 stars; one submission).

Conditions:
Inborn genetic diseases. Identifiers: MedGen C0950123, MeSH D030342.

Submission:

Ambry Genetics
Classification: Uncertain significance for Inborn genetic diseases. Last evaluated: 2020-02-24. Review status: criteria provided, single submitter. Criteria: Ambry Variant Classification Scheme 2023. Collection method: clinical testing. Allele origin: germline.
Comment: The alteration results in an amino acid change:_x000D_ _x000D_ The c.1306A>G (p.K436E) alteration is located in coding exon 12 of the ACTN1 gene. This alteration results from a A to G substitution at nucleotide position 1306, causing the lysine (K) at amino acid position 436 to be replaced by a glutamic acid (E). The alteration is not observed in population databases: _x000D_ _x000D_ Based on data from the Genome Aggregation Database (gnomAD), the ACTN1 c.1306A>G alteration was not observed, with coverage at this position. The altered amino acid is conserved throughout evolution:_x000D_ _x000D_ The p.K436 amino acid is conserved in available vertebrate species. The alteration is predicted inconclusive by in silico modeling:_x000D_ _x000D_ The in silico prediction for the p.K436E alteration is inconclusive. Based on insufficient or conflicting evidence, the clinical significance of this alteration remains unclear.

NM_001130004.2(ACTN1):c.1306A>G (p.Lys436Glu)

Gene: ACTN1 (actinin alpha 1; minus strand). Cytogenetic location: 14q24.1.
Variant type: single nucleotide variant.
Coding change: c.1306A>G on transcript NM_001130004.2 (MANE Select); coding-DNA position 1306, A replaced by G.
Protein change: p.Lys436Glu; replaces lysine 436 with glutamic acid.
Molecular consequence: missense variant.
Genome position (GRCh38, 1-based): chr14:68,885,504, T>C on the plus strand (A>G on the coding strand, the complement: ACTN1 is on the minus strand). VCF-style: chr14-68885504-T-C. GRCh37 (hg19) VCF-style: chr14-69352221-T-C.
Other names: c.1306A>G, p.Lys436Glu (NM_001102.4, NM_001130005.2); short protein forms K436E.
Identifiers: ClinVar variation 985810 (VCV000985810.4), dbSNP rs1271827976, ClinGen allele CA390185810.
Genomic context (GRCh38, chr14:68,885,504, plus strand): 5'-CGGCAATCTGCTCCACACGGTCCTGGTGGGCAGCCAGGTCACTCTCGAAGGCCTCATGCT[T>C]CTTGAGCAGGGCCTTGATCTCCGAGAGGGTGGCGGTCTCATAGTCCTTCTGTCGCAGCAT-3'
Protein context (NP_001123476.1, residues 426-446): TLSEIKALLK[Lys436Glu]HEAFESDLAA